The following is an entry in ClinVar:

ClinVar aggregate classification (germline): Uncertain significance (0 of 4 stars; one submission).

Conditions:
SKI-related disorder. Also called: SKI-related condition.

Allele frequency attached by ClinVar (database versions not stated): gnomAD exomes below 0.00001.
gnomAD v4.1: 5 of 1,587,380 alleles (0.00031%); highest among the groups gnomAD compares: Non-Finnish European, 0.00043%; no homozygotes.

Submission:

PreventionGenetics, part of Exact Sciences
Classification: Uncertain significance for SKI-related condition. Last evaluated: 2024-01-10. Review status: no assertion criteria provided. Collection method: clinical testing. Allele origin: germline.
Comment: The SKI c.1784G>A variant is predicted to result in the amino acid substitution p.Arg595His. To our knowledge, this variant has not been reported in the literature or in a large population database, indicating this variant is rare. At this time, the clinical significance of this variant is uncertain due to the absence of conclusive functional and genetic evidence.

NM_003036.4(SKI):c.1784G>A (p.Arg595His)

Gene: SKI (SKI proto-oncogene; plus strand). Cytogenetic location: 1p36.32.
Variant type: single nucleotide variant.
Coding change: c.1784G>A on transcript NM_003036.4 (MANE Select); coding-DNA position 1784, G replaced by A.
Protein change: p.Arg595His; replaces arginine 595 with histidine.
Molecular consequence: missense variant.
Genome position (GRCh38, 1-based): chr1:2,306,036, G>A. VCF-style: chr1-2306036-G-A. GRCh37 (hg19) VCF-style: chr1-2237475-G-A.
Other names: short protein forms R595H.
Identifiers: ClinVar variation 3033674 (VCV003033674.2), dbSNP rs2521511133, ClinGen allele CA337957965.